The following is an entry in ClinVar:

NM_016816.4(OAS1):c.169A>G (p.Lys57Glu)

Genes: OAS1 (2'-5'-oligoadenylate synthetase 1; plus strand), LOC130008812 (ATAC-STARR-seq lymphoblastoid active region 7052; plus strand). Cytogenetic location: 12q24.13.
Variant type: single nucleotide variant.
Coding change: c.169A>G on transcript NM_016816.4 (MANE Select); coding-DNA position 169, A replaced by G.
Protein change: p.Lys57Glu; replaces lysine 57 with glutamic acid.
Molecular consequence: missense variant. On other transcripts: non-coding transcript variant (9).
Genome position (GRCh38, 1-based): chr12:112,907,208, A>G. VCF-style: chr12-112907208-A-G. GRCh37 (hg19) VCF-style: chr12-113345013-A-G.
Other names: c.169A>G, p.Lys57Glu (NM_001032409.3, NM_001320151.2, NM_001406020.1 and 10 more transcripts); short protein forms K57E.
Identifiers: ClinVar variation 3630229 (VCV003630229.2).

ClinVar aggregate classification (germline): Uncertain significance (1 of 4 stars; one submission).

Submission:

Labcorp Genetics (formerly Invitae), Labcorp
Classification: Uncertain significance. Last evaluated: 2025-03-22. Review status: criteria provided, single submitter. Criteria: Invitae Variant Classification Sherloc (09022015). Collection method: clinical testing. Allele origin: germline.
Comment: This sequence change replaces lysine, which is basic and polar, with glutamic acid, which is acidic and polar, at codon 57 of the OAS1 protein (p.Lys57Glu). This variant is not present in population databases (gnomAD no frequency). This variant has not been reported in the literature in individuals affected with OAS1-related conditions. An algorithm developed to predict the effect of missense changes on protein structure and function (PolyPhen-2) suggests that this variant is likely to be disruptive. In summary, the available evidence is currently insufficient to determine the role of this variant in disease. Therefore, it has been classified as a Variant of Uncertain Significance.